The following is an entry in ClinVar:

NM_018993.4(RIN2):c.1851C>T (p.Ala617=)

Gene: RIN2 (Ras and Rab interactor 2; plus strand). Cytogenetic location: 20p11.23.
Variant type: single nucleotide variant.
Coding change: c.1851C>T on transcript NM_018993.4 (MANE Select); coding-DNA position 1851, C replaced by T.
Protein change: p.Ala617=; no amino-acid change (alanine 617 retained).
Molecular consequence: synonymous variant.
Genome position (GRCh38, 1-based): chr20:19,990,094, C>T. VCF-style: chr20-19990094-C-T. GRCh37 (hg19) VCF-style: chr20-19970738-C-T.
Other names: c.1998C>T, p.Ala666= (NM_001242581.2); c.1233C>T, p.Ala411= (NM_001378238.1).
Identifiers: ClinVar variation 509960 (VCV000509960.38), dbSNP rs180817901, ClinGen allele CA9780159.

ClinVar aggregate classification (germline): Benign/Likely benign. Review status: criteria provided, multiple submitters, no conflicts (2 of 4 stars). 4 submissions from 4 submitters: Benign (2); Likely benign (2). Last evaluated 2026-02-01.

Conditions:
RIN2 syndrome. Also called: MACS SYNDROME; TALL FOREHEAD, SPARSE HAIR, SKIN HYPEREXTENSIBILITY, AND SCOLIOSIS. Identifiers: Orphanet 217335, MedGen C2751321, MONDO:0013115, OMIM 613075.

Allele frequency attached by ClinVar (database versions not stated): ESP Exome Variant Server 0.00017; TOPMed 0.00019; gnomAD exomes 0.00069 and 0.00166; 1000 Genomes Project 30x 0.00078; 1000 Genomes Project 0.00100; gnomAD 0.00167 and 0.00173; ExAC 0.00205.
gnomAD v4.1: 1,259 of 1,599,238 alleles (0.079%); highest among the groups gnomAD compares: East Asian, 0.15%; 9 homozygotes.

Submissions (4):

Labcorp Genetics (formerly Invitae), Labcorp
Classification: Benign. Last evaluated: 2026-02-01. Review status: criteria provided, single submitter. Criteria: Invitae Variant Classification Sherloc (09022015). Collection method: clinical testing. Allele origin: germline.

CeGaT Center for Human Genetics Tuebingen
Classification: Likely benign. Last evaluated: 2022-11-01. Review status: criteria provided, single submitter. Criteria: CeGaT Center For Human Genetics Tuebingen Variant Classification Criteria Version 2. Collection method: clinical testing. Allele origin: germline. Affected: yes. Observed: 1 variant allele.
Comment: RIN2: BP4, BP7

Fulgent Genetics
Classification: Likely benign for RIN2 syndrome. Last evaluated: 2021-08-12. Review status: criteria provided, single submitter. Criteria: ACMG Guidelines, 2015. Collection method: clinical testing. Allele origin: unknown.

GeneDx
Classification: Benign. Last evaluated: 2018-10-03. Review status: criteria provided, single submitter. Criteria: GeneDx Variant Classification Process June 2021. Collection method: clinical testing. Allele origin: germline. Affected: yes.